The following is an entry in ClinVar:

NM_000410.4(HFE):c.774del (p.Asn259fs)

Gene: HFE (homeostatic iron regulator; plus strand). Cytogenetic location: 6p22.2.
Variant type: Deletion.
Coding change: c.774del on transcript NM_000410.4 (MANE Select); coding-DNA position 774, one base deleted (C; older notation c.774delC).
Protein change: p.Asn259fs; shifts the reading frame from asparagine 259.
Molecular consequence: frameshift variant. On other transcripts: intron variant (1).
Genome position (GRCh38, 1-based): chr6:26,092,842, C deleted; the last of 3 consecutive C bases (chr6:26,092,840-26,092,842); deleting any one gives the same sequence. VCF-style (leftmost placement, unchanged base first): chr6-26092839-GC-G. GRCh37 (hg19) VCF-style: chr6-26093067-GC-G.
Other names: c.774del, p.Asn259fs (NM_001300749.3, NM_001384164.1); c.765del, p.Asn256fs (NM_001406751.1); c.510del, p.Asn171fs (NM_001406752.1, NM_139007.3); c.456del, p.Asn153fs (NM_139003.3); c.498del, p.Asn167fs (NM_139004.3); c.732del, p.Asn245fs (NM_139006.3); c.468del, p.Asn157fs (NM_139008.3); c.705del, p.Asn236fs (NM_139009.3); and 2 more; short protein forms N236fs, N79fs, N153fs, N157fs, N167fs, N171fs, N245fs, N259fs.
Identifiers: ClinVar variation 3664385 (VCV003664385.2).

ClinVar aggregate classification (germline): Pathogenic (1 of 4 stars; one submission).

Conditions:
Hereditary hemochromatosis (HFE). Identifiers: MedGen C0392514, MONDO:0006507. Disease mechanism: loss of function.

Submission:

Labcorp Genetics (formerly Invitae), Labcorp
Classification: Pathogenic for Hereditary hemochromatosis. Last evaluated: 2024-09-03. Review status: criteria provided, single submitter. Criteria: Invitae Variant Classification Sherloc (09022015). Collection method: clinical testing. Allele origin: germline.
Comment: This sequence change creates a premature translational stop signal (p.Asn259Metfs*10) in the HFE gene. It is expected to result in an absent or disrupted protein product. Loss-of-function variants in HFE are known to be pathogenic (PMID: 27518069). This variant is not present in population databases (gnomAD no frequency). This variant has not been reported in the literature in individuals affected with HFE-related conditions. Algorithms developed to predict the effect of sequence changes on RNA splicing suggest that this variant may disrupt the consensus splice site. For these reasons, this variant has been classified as Pathogenic.

Literature cited by the submitters: PubMed 27518069.